The following is an entry in ClinVar:

ClinVar aggregate classification (germline): Uncertain significance (1 of 4 stars; one submission).

Conditions:
Combined immunodeficiency due to MALT1 deficiency. Also called: Immunodeficiency 12. Identifiers: Orphanet 397964, MedGen C3809583, MONDO:0014197, OMIM 615468.

Submission:

Labcorp Genetics (formerly Invitae), Labcorp
Classification: Uncertain significance for Combined immunodeficiency due to MALT1 deficiency. Last evaluated: 2022-08-21. Review status: criteria provided, single submitter. Criteria: Invitae Variant Classification Sherloc (09022015). Collection method: clinical testing. Allele origin: germline.
Comment: Algorithms developed to predict the effect of sequence changes on RNA splicing suggest that this variant may create or strengthen a splice site. This sequence change replaces asparagine, which is neutral and polar, with serine, which is neutral and polar, at codon 432 of the MALT1 protein (p.Asn432Ser). This variant is not present in population databases (gnomAD no frequency). This variant has not been reported in the literature in individuals affected with MALT1-related conditions. Algorithms developed to predict the effect of missense changes on protein structure and function (SIFT, PolyPhen-2, Align-GVGD) all suggest that this variant is likely to be tolerated. In summary, the available evidence is currently insufficient to determine the role of this variant in disease. Therefore, it has been classified as a Variant of Uncertain Significance.

NM_006785.4(MALT1):c.1295A>G (p.Asn432Ser)

Gene: MALT1 (MALT1 paracaspase; plus strand). Cytogenetic location: 18q21.32.
Variant type: single nucleotide variant.
Coding change: c.1295A>G on transcript NM_006785.4 (MANE Select); coding-DNA position 1295, A replaced by G.
Protein change: p.Asn432Ser; replaces asparagine 432 with serine.
Molecular consequence: missense variant.
Genome position (GRCh38, 1-based): chr18:58,733,469, A>G. VCF-style: chr18-58733469-A-G. GRCh37 (hg19) VCF-style: chr18-56400701-A-G.
Other names: c.1262A>G, p.Asn421Ser (NM_173844.3); short protein forms N421S, N432S.
Identifiers: ClinVar variation 2060633 (VCV002060633.3), dbSNP rs2511553008, ClinGen allele CA402574613.